The following is an entry in ClinVar:

NM_024422.6(DSC2):c.285C>T (p.Thr95=)

Gene: DSC2 (desmocollin 2; minus strand). Cytogenetic location: 18q12.1.
Variant type: single nucleotide variant.
Coding change: c.285C>T on transcript NM_024422.6 (MANE Select); coding-DNA position 285, C replaced by T.
Protein change: p.Thr95=; no amino-acid change (threonine 95 retained).
Molecular consequence: synonymous variant.
Genome position (GRCh38, 1-based): chr18:31,092,170, G>A on the plus strand (C>T on the coding strand, the complement: DSC2 is on the minus strand). VCF-style: chr18-31092170-G-A. GRCh37 (hg19) VCF-style: chr18-28672133-G-A.
Other names: c.285C>T, p.Thr95= (NM_004949.5).
Identifiers: ClinVar variation 512291 (VCV000512291.12), dbSNP rs773333125, ClinGen allele CA037589.

ClinVar aggregate classification (germline): Likely benign. Review status: criteria provided, multiple submitters, no conflicts (2 of 4 stars). 5 submissions from 5 submitters: Likely benign (5). Last evaluated 2025-11-05.

Conditions:
Arrhythmogenic right ventricular dysplasia 11. Also called: Arrhythmogenic Right Ventricular Dysplasia/Cardiomyopathy11; ARRHYTHMOGENIC RIGHT VENTRICULAR DYSPLASIA, FAMILIAL, 11; Arrhythmogenic right ventricular dysplasia 11 with mild palmoplantar keratoderma and woolly hair. Identifiers: MedGen C1864850, MONDO:0012506, OMIM 610476.
Cardiovascular phenotype. Identifiers: MedGen CN230736.
Familial isolated arrhythmogenic right ventricular dysplasia. Identifiers: Orphanet 217656, MedGen C4274968, MONDO:0016342.
Cardiomyopathy (CMYO). Also called: Cardiomyopathies. Identifiers: Orphanet 167848, MedGen C0878544, MONDO:0004994, HP:0001638. Inheritance: Various modes of inheritance.

Allele frequency attached by ClinVar (database versions not stated): gnomAD exomes 0.00001 and below 0.00001; TOPMed 0.00001; ExAC 0.00001; gnomAD 0.00001.
gnomAD v4.1: 9 of 1,613,332 alleles (0.00056%); highest among the groups gnomAD compares: African/African-American, 0.0027%; no homozygotes.

Submissions (5):

Labcorp Genetics (formerly Invitae), Labcorp
Classification: Likely benign for Arrhythmogenic right ventricular dysplasia 11. Last evaluated: 2025-11-05. Review status: criteria provided, single submitter. Criteria: Invitae Variant Classification Sherloc (09022015). Collection method: clinical testing. Allele origin: germline.

All of Us Research Program, National Institutes of Health
Classification: Likely benign for Familial isolated arrhythmogenic right ventricular dysplasia. Last evaluated: 2023-07-13. Review status: criteria provided, single submitter. Criteria: ACMG Guidelines, 2015. Collection method: clinical testing. Allele origin: germline. Inheritance: Autosomal dominant inheritance. Observed: 4 variant alleles, 4 heterozygotes.
Comment: This study involves interpretation of variants in research participants for the purpose of population health screening. Participant phenotype was not available at the time of variant classification. Additional details can be found in publication PMID: 35346344, PMCID: PMC8962531

Color Diagnostics, LLC DBA Color Health
Classification: Likely benign for Cardiomyopathy. Last evaluated: 2022-11-06. Review status: criteria provided, single submitter. Criteria: ACMG Guidelines, 2015. Collection method: clinical testing. Allele origin: germline.

Ambry Genetics
Classification: Likely benign for Cardiovascular phenotype. Last evaluated: 2020-10-13. Review status: criteria provided, single submitter. Criteria: Ambry Variant Classification Scheme 2023. Collection method: clinical testing. Allele origin: germline.

GeneDx
Classification: Likely benign. Last evaluated: 2017-12-11. Review status: criteria provided, single submitter. Criteria: GeneDx Variant Classification (06012015). Collection method: clinical testing. Allele origin: germline. Affected: yes.
Comment: This variant is considered likely benign or benign based on one or more of the following criteria: it is a conservative change, it occurs at a poorly conserved position in the protein, it is predicted to be benign by multiple in silico algorithms, and/or has population frequency not consistent with disease.